The following is an entry in ClinVar:

ClinVar aggregate classification (germline): Pathogenic. Review status: criteria provided, multiple submitters, no conflicts (2 of 4 stars). 3 submissions from 3 submitters: Pathogenic (3). Last evaluated 2025-07-30.

Conditions:
Hereditary cancer-predisposing syndrome. Also called: Neoplastic Syndromes, Hereditary; Tumor predisposition; Hereditary Cancer Syndrome; Hereditary neoplastic syndrome. Identifiers: Orphanet 140162, MedGen C0027672, MeSH D009386, MONDO:0015356.
Familial cancer of breast. Also called: BREAST CANCER, FAMILIAL; hereditary breast carcinoma; Hereditary breast cancer. Identifiers: Orphanet 227535, MedGen C0346153, MONDO:0016419, OMIM 114480. Disease mechanism: loss of function.

Submissions (3):

Ambry Genetics
Classification: Pathogenic for Hereditary cancer-predisposing syndrome. Last evaluated: 2025-07-30. Review status: criteria provided, single submitter. Criteria: Ambry Variant Classification Scheme 2023. Collection method: clinical testing. Allele origin: germline.
Comment: The p.R155* pathogenic mutation (also known as c.463A>T), located in coding exon 4 of the BARD1 gene, results from an A to T substitution at nucleotide position 463. This changes the amino acid from an arginine to a stop codon within coding exon 4. This variant is considered to be rare based on population cohorts in the Genome Aggregation Database (gnomAD). This alteration is expected to result in loss of function by premature protein truncation or nonsense-mediated mRNA decay. As such, this alteration is interpreted as a disease-causing mutation.

Labcorp Genetics (formerly Invitae), Labcorp
Classification: Pathogenic for Familial cancer of breast. Last evaluated: 2024-09-27. Review status: criteria provided, single submitter. Criteria: Invitae Variant Classification Sherloc (09022015). Collection method: clinical testing. Allele origin: germline.
Comment: This sequence change creates a premature translational stop signal (p.Arg155*) in the BARD1 gene. It is expected to result in an absent or disrupted protein product. Loss-of-function variants in BARD1 are known to be pathogenic (PMID: 20077502, 21344236). This variant is not present in population databases (gnomAD no frequency). This variant has not been reported in the literature in individuals affected with BARD1-related conditions. ClinVar contains an entry for this variant (Variation ID: 460752). For these reasons, this variant has been classified as Pathogenic.

Myriad Genetics, Inc.
Classification: Pathogenic for Familial cancer of breast. Last evaluated: 2023-05-18. Review status: criteria provided, single submitter. Criteria: Myriad Autosomal Dominant, Autosomal Recessive and X-Linked Classification Criteria (2023). Collection method: clinical testing. Allele origin: unknown.
Comment: This variant is considered pathogenic. This variant creates a termination codon and is predicted to result in premature protein truncation.

Literature cited by the submitters: PubMed 20077502 (cited by Labcorp Genetics (formerly Invitae), Labcorp); PubMed 21344236 (cited by Labcorp Genetics (formerly Invitae), Labcorp).

NM_000465.4(BARD1):c.463A>T (p.Arg155Ter)

Gene: BARD1 (BRCA1 associated RING domain 1; minus strand). Cytogenetic location: 2q35.
Variant type: single nucleotide variant.
Coding change: c.463A>T on transcript NM_000465.4 (MANE Select); coding-DNA position 463, A replaced by T.
Protein change: p.Arg155Ter; replaces arginine 155 with a stop codon.
Molecular consequence: nonsense. On other transcripts: non-coding transcript variant (2), intron variant (3).
Genome position (GRCh38, 1-based): chr2:214,781,411, T>A on the plus strand (A>T on the coding strand, the complement: BARD1 is on the minus strand). VCF-style: chr2-214781411-T-A. GRCh37 (hg19) VCF-style: chr2-215646135-T-A.
Other names: c.406A>T, p.Arg136Ter (NM_001282543.2); c.158+28001A>T (NM_001282548.2); c.215+15650A>T (NM_001282545.2); c.364+10886A>T (NM_001282549.2); short protein forms R155*, R136*.
Identifiers: ClinVar variation 460752 (VCV000460752.12), dbSNP rs1553622669, ClinGen allele CA350457639.